The following is an entry in ClinVar:

NM_002354.3(EPCAM):c.377G>T (p.Arg126Ile)

Gene: EPCAM (epithelial cell adhesion molecule; plus strand). Cytogenetic location: 2p21.
Variant type: single nucleotide variant.
Coding change: c.377G>T on transcript NM_002354.3 (MANE Select); coding-DNA position 377, G replaced by T.
Protein change: p.Arg126Ile; replaces arginine 126 with isoleucine.
Molecular consequence: missense variant.
Genome position (GRCh38, 1-based): chr2:47,374,000, G>T. VCF-style: chr2-47374000-G-T. GRCh37 (hg19) VCF-style: chr2-47601139-G-T.
Other names: short protein forms R126I.
Identifiers: ClinVar variation 3845293 (VCV003845293.1).

ClinVar aggregate classification (germline): Uncertain significance (1 of 4 stars; one submission).

Conditions:
Hereditary cancer-predisposing syndrome. Also called: Hereditary neoplastic syndrome; Neoplastic Syndromes, Hereditary; Tumor predisposition; Hereditary Cancer Syndrome. Identifiers: Orphanet 140162, MedGen C0027672, MeSH D009386, MONDO:0015356.

Submission:

Ambry Genetics
Classification: Uncertain significance for Hereditary cancer-predisposing syndrome. Last evaluated: 2025-01-05. Review status: criteria provided, single submitter. Criteria: Ambry Variant Classification Scheme 2023. Collection method: clinical testing. Allele origin: germline.
Comment: The p.R126I variant (also known as c.377G>T), located in coding exon 3 of the EPCAM gene, results from a G to T substitution at nucleotide position 377. The arginine at codon 126 is replaced by isoleucine, an amino acid with similar properties. This amino acid position is conserved. In addition, this alteration is predicted to be deleterious by in silico analysis. Based on the available evidence, the clinical significance of this variant remains unclear.